The following is an entry in ClinVar:

ClinVar aggregate classification (germline): Likely benign (0 of 4 stars; one submission).

Conditions:
EP300-related disorder. Also called: EP300-related disorders; EP300-related condition.

Submission:

PreventionGenetics, part of Exact Sciences
Classification: Likely benign for EP300-related condition. Last evaluated: 2021-07-21. Review status: no assertion criteria provided. Collection method: clinical testing. Allele origin: germline.
Comment: This variant is classified as likely benign based on ACMG/AMP sequence variant interpretation guidelines (Richards et al. 2015 PMID: 25741868, with internal and published modifications).

NM_001429.4(EP300):c.735A>C (p.Gly245=)

Gene: EP300 (E1A binding protein p300; plus strand). Cytogenetic location: 22q13.2.
Variant type: single nucleotide variant.
Coding change: c.735A>C on transcript NM_001429.4 (MANE Select); coding-DNA position 735, A replaced by C.
Protein change: p.Gly245=; no amino-acid change (glycine 245 retained).
Molecular consequence: synonymous variant.
Genome position (GRCh38, 1-based): chr22:41,125,869, A>C. VCF-style: chr22-41125869-A-C. GRCh37 (hg19) VCF-style: chr22-41521873-A-C.
Other names: c.735A>C, p.Gly245= (NM_001362843.2).
Identifiers: ClinVar variation 3061584 (VCV003061584.2), dbSNP rs1832933916, ClinGen allele CA514633208.